The following is an entry in ClinVar:

ClinVar aggregate classification (germline): Benign/Likely benign. Review status: criteria provided, single submitter (1 of 4 stars). 2 submissions from 1 submitter: Benign (1); Likely benign (1). Last evaluated 2018-01-13.

Conditions:
Brugada syndrome 5 (BRGDA5). Identifiers: Orphanet 130, Orphanet 871, MedGen C2748541, MONDO:0013015, OMIM 612838.
Generalized epilepsy with febrile seizures plus, type 1 (GEFSP1). Also called: GEFS+, TYPE 1. Identifiers: Orphanet 36387, MedGen C1858672, MONDO:0011416, OMIM 604233.

Allele frequency attached by ClinVar (database versions not stated): gnomAD exomes 0.00031; gnomAD 0.00610 and 0.00642; TOPMed 0.00646; 1000 Genomes Project 0.00799; 1000 Genomes Project 30x 0.00859.

Submissions (2):

Illumina Laboratory Services, Illumina
Classification: Benign for Brugada syndrome 5. Last evaluated: 2018-01-13. Review status: criteria provided, single submitter. Criteria: ICSL Variant Classification Criteria 13 December 2019. Collection method: clinical testing. Allele origin: germline.
Comment: This variant was observed in the ICSL laboratory as part of a predisposition screen in an ostensibly healthy population. It had not been previously curated by ICSL or reported in the Human Gene Mutation Database (HGMD: prior to June 1st, 2018), and was therefore a candidate for classification through an automated scoring system. Utilizing variant allele frequency, disease prevalence and penetrance estimates, and inheritance mode, an automated score was calculated to assess if this variant is too frequent to cause the disease. Based on the score and internal cut-off values, a variant classified as benign is not then subjected to further curation. The score for this variant resulted in a classification of benign for this disease.

Illumina Laboratory Services, Illumina
Classification: Likely benign for Generalized epilepsy with febrile seizures plus, type 1. Last evaluated: 2018-01-13. Review status: criteria provided, single submitter. Criteria: ICSL Variant Classification Criteria 13 December 2019. Collection method: clinical testing. Allele origin: germline.
Comment: This variant was observed in the ICSL laboratory as part of a predisposition screen in an ostensibly healthy population. It had not been previously curated by ICSL or reported in the Human Gene Mutation Database (HGMD: prior to June 1st, 2018), and was therefore a candidate for classification through an automated scoring system. Utilizing variant allele frequency, disease prevalence and penetrance estimates, and inheritance mode, an automated score was calculated to assess if this variant is too frequent to cause the disease. Based on the score and internal cut-off values, a variant classified as likely benign is not then subjected to further curation. The score for this variant resulted in a classification of likely benign for this disease.

NM_001037.5(SCN1B):c.*454C>A

Gene: SCN1B (sodium voltage-gated channel beta subunit 1; plus strand). Cytogenetic location: 19q13.11.
Variant type: single nucleotide variant.
Coding change: c.*454C>A on transcript NM_001037.5 (MANE Select); 454 bases downstream of the stop codon, C replaced by A.
Molecular consequence: 3 prime UTR variant.
Genome position (GRCh38, 1-based): chr19:35,040,245, C>A. VCF-style: chr19-35040245-C-A. GRCh37 (hg19) VCF-style: chr19-35531149-C-A.
Other names: c.*454C>A (NM_001321605.2).
Identifiers: ClinVar variation 890064 (VCV000890064.4), dbSNP rs72550263, ClinGen allele CA307708285.